The following is an entry in ClinVar:

ClinVar aggregate classification (germline): Uncertain significance (1 of 4 stars; one submission).

Conditions:
Hereditary cancer-predisposing syndrome. Also called: Neoplastic Syndromes, Hereditary; Tumor predisposition; Hereditary neoplastic syndrome; Hereditary Cancer Syndrome. Identifiers: Orphanet 140162, MedGen C0027672, MeSH D009386, MONDO:0015356.

Submission:

Ambry Genetics
Classification: Uncertain significance for Hereditary cancer-predisposing syndrome. Last evaluated: 2023-01-18. Review status: criteria provided, single submitter. Criteria: Ambry Variant Classification Scheme 2023. Collection method: clinical testing. Allele origin: germline.
Comment: The p.N1233K variant (also known as c.3699C>A), located in coding exon 30 of the TSC2 gene, results from a C to A substitution at nucleotide position 3699. The asparagine at codon 1233 is replaced by lysine, an amino acid with similar properties. This amino acid position is conserved. In addition, this alteration is predicted to be tolerated by in silico analysis. Since supporting evidence is limited at this time, the clinical significance of this alteration remains unclear.

NM_000548.5(TSC2):c.3699C>A (p.Asn1233Lys)

Gene: TSC2 (TSC complex subunit 2; plus strand). Cytogenetic location: 16p13.3.
Variant type: single nucleotide variant.
Coding change: c.3699C>A on transcript NM_000548.5 (MANE Select); coding-DNA position 3699, C replaced by A.
Protein change: p.Asn1233Lys; replaces asparagine 1233 with lysine.
Molecular consequence: missense variant. On other transcripts: non-coding transcript variant (5).
Genome position (GRCh38, 1-based): chr16:2,081,683, C>A. VCF-style: chr16-2081683-C-A. GRCh37 (hg19) VCF-style: chr16-2131684-C-A.
Other names: c.3696C>A, p.Asn1232Lys (NM_001406664.1, NM_001406663.1); c.3567C>A, p.Asn1189Lys (NM_001406665.1, NM_001077183.3, NM_001370404.1); c.3660C>A, p.Asn1220Lys (NM_001406667.1); c.3657C>A, p.Asn1219Lys (NM_001406668.1); c.3588C>A, p.Asn1196Lys (NM_001406670.1); c.3558C>A, p.Asn1186Lys (NM_001406671.1); c.3555C>A, p.Asn1185Lys (NM_001406673.1); c.3552C>A, p.Asn1184Lys (NM_001406675.1); and 18 more; short protein forms N1033K, N1036K, N1140K, N1141K, N1186K, N1183K, N1184K, N1196K.
Identifiers: ClinVar variation 2449976 (VCV002449976.2), dbSNP rs773240506, ClinGen allele CA394292550.
Genomic context (GRCh38, chr16:2,081,683, plus strand): 5'-GAACCCGCTCAGCCCTTTCTCCTCGGACATCAACAACATGCCCCTGCAGGAGCTGTCTAA[C>A]GCCCTCATGGCGGCTGAGCGCTTCAAGGAGCACCGGGACACAGCCCTGTACAAGTCACTG-3'
Protein context (NP_000539.2, residues 1223-1243): INNMPLQELS[Asn1233Lys]ALMAAERFKE